The following is an entry in ClinVar:

ClinVar aggregate classification (germline): Uncertain significance. Review status: criteria provided, multiple submitters, no conflicts (2 of 4 stars). 6 submissions from 6 submitters: Uncertain significance (6). Last evaluated 2025-10-31.

Conditions:
TBC1D24-related disorder. Also called: TBC1D24-related disorders; TBC1D24-related condition. Identifiers: MedGen CN381194.
Inborn genetic diseases. Identifiers: MedGen C0950123, MeSH D030342.
Autosomal dominant nonsyndromic hearing loss 65. Also called: TBC1D24-Related Autosomal Dominant Nonsyndromic Hearing Loss (DFNA); Deafness, autosomal dominant 65. Identifiers: Orphanet 90635, MedGen C3892048, MONDO:0014470, OMIM 616044.
Developmental and epileptic encephalopathy, 1 (DEE1). Also called: X-linked infantile spasms; West's syndrome; Tonic spasms with clustering, arrest of psychomotor development and hypsarrhythmia on EEG; X-Linked Infantile Spasm Syndrome; OHTAHARA SYNDROME, X-LINKED; INFANTILE SPASM SYNDROME, X-LINKED 1. Identifiers: MedGen C3463992, MONDO:0010632, OMIM 308350. Disease mechanism: loss of function.

Allele frequency attached by ClinVar (database versions not stated): gnomAD 0.00003; gnomAD exomes 0.00003 and 0.00005; TOPMed 0.00003; ExAC 0.00005.

Submissions (6):

Labcorp Genetics (formerly Invitae), Labcorp
Classification: Uncertain significance for Developmental and epileptic encephalopathy, 1; Autosomal dominant nonsyndromic hearing loss 65. Last evaluated: 2025-10-31. Review status: criteria provided, single submitter. Criteria: Invitae Variant Classification Sherloc (09022015). Collection method: clinical testing. Allele origin: germline.
Comment: This sequence change replaces valine, which is neutral and non-polar, with leucine, which is neutral and non-polar, at codon 67 of the TBC1D24 protein (p.Val67Leu). This variant is present in population databases (rs751738454, gnomAD 0.007%). This variant has not been reported in the literature in individuals affected with TBC1D24-related conditions. ClinVar contains an entry for this variant (Variation ID: 1496283). Invitae Evidence Modeling of protein sequence and biophysical properties (such as structural, functional, and spatial information, amino acid conservation, physicochemical variation, residue mobility, and thermodynamic stability) indicates that this missense variant is not expected to disrupt TBC1D24 protein function with a negative predictive value of 80%. In summary, the available evidence is currently insufficient to determine the role of this variant in disease. Therefore, it has been classified as a Variant of Uncertain Significance.

PreventionGenetics, part of Exact Sciences
Classification: Uncertain significance for TBC1D24-related condition. Last evaluated: 2025-09-09. Review status: criteria provided, single submitter. Criteria: ACMG Guidelines, 2015. Collection method: clinical testing. Allele origin: germline.
Comment: The TBC1D24 c.199G>C variant is predicted to result in the amino acid substitution p.Val67Leu. To our knowledge, this variant has not been reported in the literature. This variant is reported in 0.0062% of alleles in individuals of European (Non-Finnish) descent in gnomAD. At this time, the clinical significance of this variant is uncertain due to the absence of conclusive functional and genetic evidence.

CeGaT Center for Human Genetics Tuebingen
Classification: Uncertain significance. Last evaluated: 2024-01-01. Review status: criteria provided, single submitter. Criteria: CeGaT Center For Human Genetics Tuebingen Variant Classification Criteria Version 2. Collection method: clinical testing. Allele origin: germline. Affected: yes. Observed: 1 variant allele.

Ambry Genetics
Classification: Uncertain significance for Inborn genetic diseases. Last evaluated: 2023-04-07. Review status: criteria provided, single submitter. Criteria: Ambry Variant Classification Scheme 2023. Collection method: clinical testing. Allele origin: germline.

GeneDx
Classification: Uncertain significance. Last evaluated: 2022-12-30. Review status: criteria provided, single submitter. Criteria: GeneDx Variant Classification Process June 2021. Collection method: clinical testing. Allele origin: germline. Affected: yes.
Comment: Not observed at significant frequency in large population cohorts (gnomAD); In silico analysis supports that this missense variant does not alter protein structure/function; Has not been previously published as pathogenic or benign to our knowledge

Blueprint Genetics
Classification: Uncertain significance. Last evaluated: 2018-09-27. Review status: criteria provided, single submitter. Criteria: ACMG Guidelines, 2015. Collection method: clinical testing. Allele origin: germline.

NM_001199107.2(TBC1D24):c.199G>C (p.Val67Leu)

Gene: TBC1D24 (TBC1 domain family member 24; plus strand). Cytogenetic location: 16p13.3.
Variant type: single nucleotide variant.
Coding change: c.199G>C on transcript NM_001199107.2 (MANE Select); coding-DNA position 199, G replaced by C.
Protein change: p.Val67Leu; replaces valine 67 with leucine.
Molecular consequence: missense variant.
Genome position (GRCh38, 1-based): chr16:2,496,347, G>C. VCF-style: chr16-2496347-G-C. GRCh37 (hg19) VCF-style: chr16-2546348-G-C.
Other names: c.199G>C (NM_001199107.1); c.199G>C, p.Val67Leu (NM_020705.3); short protein forms V67L.
Identifiers: ClinVar variation 1496283 (VCV001496283.34), dbSNP rs751738454, ClinGen allele CA7843949.